The following is an entry in ClinVar:

NM_004237.4(TRIP13):c.1213G>A (p.Val405Ile)

Gene: TRIP13 (thyroid hormone receptor interactor 13; plus strand). Cytogenetic location: 5p15.33.
Variant type: single nucleotide variant.
Coding change: c.1213G>A on transcript NM_004237.4 (MANE Select); coding-DNA position 1213, G replaced by A.
Protein change: p.Val405Ile; replaces valine 405 with isoleucine.
Molecular consequence: missense variant.
Genome position (GRCh38, 1-based): chr5:917,017, G>A. VCF-style: chr5-917017-G-A. GRCh37 (hg19) VCF-style: chr5-917132-G-A.
Other names: short protein forms V405I.
Identifiers: ClinVar variation 3652516 (VCV003652516.2).

ClinVar aggregate classification (germline): Uncertain significance (1 of 4 stars; one submission).

gnomAD v4.1: 39 of 1,613,394 alleles (0.0024%); highest among the groups gnomAD compares: African/African-American, 0.0027%; no homozygotes.

Submission:

Labcorp Genetics (formerly Invitae), Labcorp
Classification: Uncertain significance. Last evaluated: 2025-08-25. Review status: criteria provided, single submitter. Criteria: Invitae Variant Classification Sherloc (09022015). Collection method: clinical testing. Allele origin: germline.
Comment: This sequence change replaces valine, which is neutral and non-polar, with isoleucine, which is neutral and non-polar, at codon 405 of the TRIP13 protein (p.Val405Ile). This variant is present in population databases (rs753736754, gnomAD 0.02%). This variant has not been reported in the literature in individuals affected with TRIP13-related conditions. ClinVar contains an entry for this variant (Variation ID: 3652516). An algorithm developed to predict the effect of missense changes on protein structure and function outputs the following: PolyPhen-2: "Benign". The isoleucine amino acid residue is found in multiple mammalian species, which suggests that this missense change does not adversely affect protein function. In summary, the available evidence is currently insufficient to determine the role of this variant in disease. Therefore, it has been classified as a Variant of Uncertain Significance.